The following is an entry in ClinVar:

ClinVar aggregate classification (germline): Uncertain significance (1 of 4 stars; one submission).

Conditions:
SLC10A2-related disorder. Also called: SLC10A2-related condition.

Submission:

PreventionGenetics, part of Exact Sciences
Classification: Uncertain significance for SLC10A2-related condition. Last evaluated: 2025-07-16. Review status: criteria provided, single submitter. Criteria: ACMG Guidelines, 2015. Collection method: clinical testing. Allele origin: germline.
Comment: The SLC10A2 c.451A>C variant is predicted to result in the amino acid substitution p.Met151Leu. To our knowledge, this variant has not been reported in the literature or in a large population database (gnomAD), indicating this variant is rare. At this time, the clinical significance of this variant is uncertain due to the absence of conclusive functional and genetic evidence.

NM_000452.3(SLC10A2):c.451A>C (p.Met151Leu)

Gene: SLC10A2 (solute carrier family 10 member 2; minus strand). Cytogenetic location: 13q33.1.
Variant type: single nucleotide variant.
Coding change: c.451A>C on transcript NM_000452.3 (MANE Select); coding-DNA position 451, A replaced by C.
Protein change: p.Met151Leu; replaces methionine 151 with leucine.
Molecular consequence: missense variant.
Genome position (GRCh38, 1-based): chr13:103,058,309, T>G on the plus strand (A>C on the coding strand, the complement: SLC10A2 is on the minus strand). VCF-style: chr13-103058309-T-G. GRCh37 (hg19) VCF-style: chr13-103710659-T-G.
Other names: short protein forms M151L.
Identifiers: ClinVar variation 5000346 (VCV005000346.1).
Genomic context (GRCh38, chr13:103,058,309, plus strand): 5'-AGATGGATGACTTACCTATGTTATCATAGGGAATTACGATGCTCCCAGAGTCGACCCACA[T>G]TTTGGTATAGATAAGGAGGCACAGCGGCATCATTCCGAGGGCAAGCAGTGTGGAGCATGT-3'
Protein context (NP_000443.2, residues 141-161): MPLCLLIYTK[Met151Leu]WVDSGSIVIP